The following is an entry in ClinVar:

NM_015450.3(POT1):c.577T>C (p.Ser193Pro)

Gene: POT1 (protection of telomeres 1; minus strand). Cytogenetic location: 7q31.33.
Variant type: single nucleotide variant.
Coding change: c.577T>C on transcript NM_015450.3 (MANE Select); coding-DNA position 577, T replaced by C.
Protein change: p.Ser193Pro; replaces serine 193 with proline.
Molecular consequence: missense variant. On other transcripts: non-coding transcript variant (3).
Genome position (GRCh38, 1-based): chr7:124,859,082, A>G on the plus strand (T>C on the coding strand, the complement: POT1 is on the minus strand). VCF-style: chr7-124859082-A-G. GRCh37 (hg19) VCF-style: chr7-124499136-A-G.
Other names: c.184T>C, p.Ser62Pro (NM_001042594.2); short protein forms S193P, S62P.
Identifiers: ClinVar variation 475088 (VCV000475088.12), dbSNP rs752854457, ClinGen allele CA4465403.
Genomic context (GRCh38, chr7:124,859,082, plus strand): 5'-GCCGATGGATGTGACTTAAATCACCTTCAAGAACAAGGTCTTGTATTAAGACTCTCCAAG[A>G]TGGAAATGGTGTCCTGGTGCCATCCCATACCTGCCATAAGAGAGTAGAGTAGTTTTATGA-3'
Protein context (NP_056265.2, residues 183-203): VWDGTRTPFP[Ser193Pro]WRVLIQDLVL

ClinVar aggregate classification (germline): Uncertain significance. Review status: criteria provided, multiple submitters, no conflicts (2 of 4 stars). 2 submissions from 2 submitters: Uncertain significance (2). Last evaluated 2025-11-02.

Conditions:
Tumor predisposition syndrome 3 (TPDS3). Also called: Glioma susceptibility 9; LONG TELOMERE SYNDROME, POT1-RELATED; POT1 Tumor Predisposition; Melanoma, cutaneous malignant, susceptibility to, 10. Identifiers: Orphanet 618, MedGen C4014476, MONDO:0014368, OMIM 615848.
Hereditary cancer-predisposing syndrome. Also called: Hereditary neoplastic syndrome; Hereditary Cancer Syndrome; Neoplastic Syndromes, Hereditary; Tumor predisposition. Identifiers: Orphanet 140162, MedGen C0027672, MeSH D009386, MONDO:0015356.

Allele frequency attached by ClinVar (database versions not stated): gnomAD exomes below 0.00001; ExAC 0.00001.
gnomAD v4.1: 1 of 1,605,056 alleles (0.000062%); highest among the groups gnomAD compares: Non-Finnish European, 0.000085%; no homozygotes.

Submissions (2):

Labcorp Genetics (formerly Invitae), Labcorp
Classification: Uncertain significance for Tumor predisposition syndrome 3. Last evaluated: 2025-11-02. Review status: criteria provided, single submitter. Criteria: Invitae Variant Classification Sherloc (09022015). Collection method: clinical testing. Allele origin: germline.
Comment: This sequence change replaces serine, which is neutral and polar, with proline, which is neutral and non-polar, at codon 193 of the POT1 protein (p.Ser193Pro). This variant is present in population databases (rs752854457, gnomAD 0.0009%). This variant has not been reported in the literature in individuals affected with POT1-related conditions. ClinVar contains an entry for this variant (Variation ID: 475088). Invitae Evidence Modeling of protein sequence and biophysical properties (such as structural, functional, and spatial information, amino acid conservation, physicochemical variation, residue mobility, and thermodynamic stability) indicates that this missense variant is not expected to disrupt POT1 protein function with a negative predictive value of 80%. In summary, the available evidence is currently insufficient to determine the role of this variant in disease. Therefore, it has been classified as a Variant of Uncertain Significance.

Ambry Genetics
Classification: Uncertain significance for Hereditary cancer-predisposing syndrome. Last evaluated: 2025-04-09. Review status: criteria provided, single submitter. Criteria: Ambry Variant Classification Scheme 2023. Collection method: clinical testing. Allele origin: germline.
Comment: The p.S193P variant (also known as c.577T>C), located in coding exon 5 of the POT1 gene, results from a T to C substitution at nucleotide position 577. The serine at codon 193 is replaced by proline, an amino acid with similar properties. This amino acid position is conserved. In addition, this alteration is predicted to be tolerated by in silico analysis. Since supporting evidence is limited at this time, the clinical significance of this alteration remains unclear.